The following is an entry in ClinVar:

NM_001042492.3(NF1):c.*498T>G

Gene: NF1 (neurofibromin 1; plus strand). Cytogenetic location: 17q11.2.
Variant type: single nucleotide variant.
Coding change: c.*498T>G on transcript NM_001042492.3 (MANE Select); 498 bases downstream of the stop codon, T replaced by G.
Molecular consequence: 3 prime UTR variant.
Genome position (GRCh38, 1-based): chr17:31,374,653, T>G. VCF-style: chr17-31374653-T-G. GRCh37 (hg19) VCF-style: chr17-29701671-T-G.
Other names: c.*498T>G (NM_000267.4).
Identifiers: ClinVar variation 322579 (VCV000322579.7), dbSNP rs9900729, ClinGen allele CA10648999.

ClinVar aggregate classification (germline): Benign/Likely benign. Review status: criteria provided, multiple submitters, no conflicts (2 of 4 stars). 6 submissions from 3 submitters: Benign (5); Likely benign (1). Last evaluated 2022-03-15.

Conditions:
Neurofibromatosis, familial spinal (FSNF). Identifiers: Orphanet 636, MedGen C1834235, MONDO:0008078, OMIM 162210. Disease mechanism: loss of function.
Neurofibromatosis, type 1 (NF1). Also called: VON RECKLINGHAUSEN DISEASE; NEUROFIBROMATOSIS, TYPE I, SOMATIC; Neurofibromatosis, type I; Peripheral type neurofibromatosis. Identifiers: Orphanet 636, MedGen C0027831, MONDO:0018975, OMIM 162200. Disease mechanism: loss of function.
Neurofibromatosis-Noonan syndrome (NFNS). Also called: NEUROFIBROMATOSIS WITH NOONAN PHENOTYPE. Identifiers: Orphanet 638, MedGen C2931482, MONDO:0011035, OMIM 601321. Disease mechanism: loss of function.
Café-au-lait macules with pulmonary stenosis (WTSN). Also called: PULMONIC STENOSIS WITH CAFE-AU-LAIT SPOTS. Identifiers: MedGen C0553586, MONDO:0008672, OMIM 193520.

Allele frequency attached by ClinVar (database versions not stated): gnomAD 0.00778 and 0.00833; 1000 Genomes Project 0.00879; TOPMed 0.00904; 1000 Genomes Project 30x 0.00999.
gnomAD v4.1: 1,306 of 232,554 alleles (0.56%); highest among the groups gnomAD compares: African/African-American, 2.8%; 22 homozygotes.

Submissions (6):

Genome-Nilou Lab
Classification: Benign for Neurofibromatosis, type 1. Last evaluated: 2022-03-15. Review status: criteria provided, single submitter. Criteria: ACMG Guidelines, 2015. Collection method: clinical testing. Allele origin: germline. Affected: no.

GeneDx
Classification: Likely benign. Last evaluated: 2021-06-10. Review status: criteria provided, single submitter. Criteria: GeneDx Variant Classification Process June 2021. Collection method: clinical testing. Allele origin: germline. Affected: yes.

Illumina Laboratory Services, Illumina
Classification: Benign for Neurofibromatosis, type 1. Last evaluated: 2018-01-12. Review status: criteria provided, single submitter. Criteria: ICSL Variant Classification Criteria 13 December 2019. Collection method: clinical testing. Allele origin: germline.
Comment: This variant was observed in the ICSL laboratory as part of a predisposition screen in an ostensibly healthy population. It had not been previously curated by ICSL or reported in the Human Gene Mutation Database (HGMD: prior to June 1st, 2018), and was therefore a candidate for classification through an automated scoring system. Utilizing variant allele frequency, disease prevalence and penetrance estimates, and inheritance mode, an automated score was calculated to assess if this variant is too frequent to cause the disease. Based on the score and internal cut-off values, a variant classified as benign is not then subjected to further curation. The score for this variant resulted in a classification of benign for this disease.

Illumina Laboratory Services, Illumina
Classification: Benign for Café-au-lait macules with pulmonary stenosis. Last evaluated: 2018-01-12. Review status: criteria provided, single submitter. Criteria: ICSL Variant Classification Criteria 13 December 2019. Collection method: clinical testing. Allele origin: germline.
Comment: the same text as in the submission from Illumina Laboratory Services, Illumina above.

Illumina Laboratory Services, Illumina
Classification: Benign for Neurofibromatosis, familial spinal. Last evaluated: 2018-01-12. Review status: criteria provided, single submitter. Criteria: ICSL Variant Classification Criteria 13 December 2019. Collection method: clinical testing. Allele origin: germline.
Comment: the same text as in the submission from Illumina Laboratory Services, Illumina above.

Illumina Laboratory Services, Illumina
Classification: Benign for Neurofibromatosis-Noonan syndrome. Last evaluated: 2018-01-12. Review status: criteria provided, single submitter. Criteria: ICSL Variant Classification Criteria 13 December 2019. Collection method: clinical testing. Allele origin: germline.
Comment: the same text as in the submission from Illumina Laboratory Services, Illumina above.